The following is an entry in ClinVar:

ClinVar aggregate classification (germline): Likely pathogenic. Review status: criteria provided, single submitter (1 of 4 stars). 2 submissions from 2 submitters: Likely pathogenic (1). 1 of the submissions does not count toward it. Last evaluated 2022-06-06.

Conditions:
Poirier-Bienvenu neurodevelopmental syndrome (POBINDS). Identifiers: Orphanet 689397, MedGen C5231482, MONDO:0032889, OMIM 618732.

Submissions (2):

GeneDx
Classification: Likely pathogenic. Last evaluated: 2022-06-06. Review status: criteria provided, single submitter. Criteria: GeneDx Variant Classification Process June 2021. Collection method: clinical testing. Allele origin: germline. Affected: yes.
Comment: Not observed at significant frequency in large population cohorts (gnomAD); In silico analysis supports that this missense variant has a deleterious effect on protein structure/function; Has not been previously published as pathogenic or benign to our knowledge

Department of Neurology, Children's Hospital of Nanjing Medical University
Classification: Uncertain significance for Poirier-Bienvenu neurodevelopmental syndrome. Last evaluated: 2025-05-01. Review status: no assertion criteria provided. Collection method: clinical testing. Allele origin: de novo. Inheritance: Autosomal dominant inheritance. Affected: yes. Observed: 1 variant allele, 1 heterozygote. Not counted in ClinVar's aggregate classification.
Comment: The variant has been detected as de novo in one or more phenotypically relevant families with confirmed pedigree relationships, meeting the criterion 1 ≤ PS2-Case_Score < 2. The allele frequency in population databases is less than 0.0005. The variant is a missense variant located in a gene with a mis_Z score ≥ 3.09 in the gnomAD database. Multiple bioinformatic prediction tools support that this variant is deleterious to the gene or gene product or affects splicing, reaching the supporting threshold level.

NM_001320.7(CSNK2B):c.257G>C (p.Arg86Pro)

Gene: CSNK2B (casein kinase 2 beta; plus strand). Cytogenetic location: 6p21.33.
Variant type: single nucleotide variant.
Coding change: c.257G>C on transcript NM_001320.7 (MANE Select); coding-DNA position 257, G replaced by C.
Protein change: p.Arg86Pro; replaces arginine 86 with proline.
Molecular consequence: missense variant.
Genome position (GRCh38, 1-based): chr6:31,668,620, G>C. VCF-style: chr6-31668620-G-C. GRCh37 (hg19) VCF-style: chr6-31636397-G-C.
Other names: c.257G>C, p.Arg86Pro (NM_001282385.2); short protein forms R86P.
Identifiers: ClinVar variation 1803580 (VCV001803580.2), dbSNP rs372125807, ClinGen allele CA363473415.
Genomic context (GRCh38, chr6:31,668,620, plus strand): 5'-CCAACCAGAGTGACCTGATTGAGCAGGCAGCCGAGATGCTTTATGGATTGATCCACGCCC[G>C]CTACATCCTTACCAACCGTGGCATCGCCCAGATGGTGAGGCCTCTCTGCTCCTACCTGCC-3'
Protein context (NP_001311.3, residues 76-96): AEMLYGLIHA[Arg86Pro]YILTNRGIAQ